The following is an entry in ClinVar:

ClinVar aggregate classification (germline): Uncertain significance (1 of 4 stars; one submission).

Conditions:
Atrial standstill 1 (ATRST1). Also called: ATRIAL CARDIOMYOPATHY WITH HEART BLOCK; CARDIOMYOPATHY, FAMILIAL, WITH CONDUCTION DISTURBANCE; Atrial standstill, digenic (GJA5/SCN5A). Identifiers: Orphanet 1344, MedGen C4551959, MONDO:0007171, OMIM 108770.
Atrial fibrillation, familial, 11 (ATFB11). Identifiers: MedGen C3279693, MONDO:0013544, OMIM 614049.

gnomAD v4.1: 1 of 1,612,574 alleles (0.000062%); highest among the groups gnomAD compares: African/African-American, 0.0013%; no homozygotes.

Submission:

Labcorp Genetics (formerly Invitae), Labcorp
Classification: Uncertain significance for Atrial fibrillation, familial, 11; Atrial standstill 1. Last evaluated: 2025-12-01. Review status: criteria provided, single submitter. Criteria: Invitae Variant Classification Sherloc (09022015). Collection method: clinical testing. Allele origin: germline.
Comment: This sequence change replaces tryptophan, which is neutral and slightly polar, with cysteine, which is neutral and slightly polar, at codon 45 of the GJA5 protein (p.Trp45Cys). This variant is not present in population databases (gnomAD no frequency). This variant has not been reported in the literature in individuals affected with GJA5-related conditions. Invitae Evidence Modeling of protein sequence and biophysical properties (such as structural, functional, and spatial information, amino acid conservation, physicochemical variation, residue mobility, and thermodynamic stability) indicates that this missense variant is expected to disrupt GJA5 protein function with a positive predictive value of 80%. In summary, the available evidence is currently insufficient to determine the role of this variant in disease. Therefore, it has been classified as a Variant of Uncertain Significance.

NM_181703.4(GJA5):c.135G>C (p.Trp45Cys)

Gene: GJA5 (gap junction protein alpha 5; minus strand). Cytogenetic location: 1q21.2.
Variant type: single nucleotide variant.
Coding change: c.135G>C on transcript NM_181703.4 (MANE Select); coding-DNA position 135, G replaced by C.
Protein change: p.Trp45Cys; replaces tryptophan 45 with cysteine.
Molecular consequence: missense variant.
Genome position (GRCh38, 1-based): chr1:147,759,104, C>G on the plus strand (G>C on the coding strand, the complement: GJA5 is on the minus strand). VCF-style: chr1-147759104-C-G. GRCh37 (hg19) VCF-style: chr1-147231212-C-G.
Other names: c.135G>C, p.Trp45Cys (NM_005266.7); short protein forms W45C.
Identifiers: ClinVar variation 4783238 (VCV004783238.1).